The following is an entry in ClinVar:

ClinVar aggregate classification (germline): Uncertain significance (1 of 4 stars; one submission).

Conditions:
Inborn genetic diseases. Identifiers: MedGen C0950123, MeSH D030342.

Submission:

Ambry Genetics
Classification: Uncertain significance for Inborn genetic diseases. Last evaluated: 2025-04-29. Review status: criteria provided, single submitter. Criteria: Ambry Variant Classification Scheme 2023. Collection method: clinical testing. Allele origin: germline.
Comment: The p.M126I variant (also known as c.378G>C), located in coding exon 3 of the G6PC3 gene, results from a G to C substitution at nucleotide position 378. The methionine at codon 126 is replaced by isoleucine, an amino acid with highly similar properties. This amino acid position is conserved. In addition, this alteration is predicted to be tolerated by in silico analysis. Based on the available evidence, the clinical significance of this variant remains unclear.

NM_138387.4(G6PC3):c.378G>C (p.Met126Ile)

Gene: G6PC3 (glucose-6-phosphatase catalytic subunit 3; plus strand). Cytogenetic location: 17q21.31.
Variant type: single nucleotide variant.
Coding change: c.378G>C on transcript NM_138387.4 (MANE Select); coding-DNA position 378, G replaced by C.
Protein change: p.Met126Ile; replaces methionine 126 with isoleucine.
Molecular consequence: missense variant.
Genome position (GRCh38, 1-based): chr17:44,074,732, G>C. VCF-style: chr17-44074732-G-C. GRCh37 (hg19) VCF-style: chr17-42152100-G-C.
Other names: c.378G>C, p.Met126Ile (NM_001319945.2); c.33G>C, p.Met11Ile (NM_001384165.1, NM_001384166.1, NM_001384167.1 and 1 more transcripts); short protein forms M126I, M11I.
Identifiers: ClinVar variation 4027593 (VCV004027593.1).